The following is an entry in ClinVar:

NM_001103.4(ACTN2):c.2301G>C (p.Arg767Ser)

Gene: ACTN2 (actinin alpha 2; plus strand). Cytogenetic location: 1q43.
Variant type: single nucleotide variant.
Coding change: c.2301G>C on transcript NM_001103.4 (MANE Select); coding-DNA position 2301, G replaced by C.
Protein change: p.Arg767Ser; replaces arginine 767 with serine.
Molecular consequence: missense variant. On other transcripts: non-coding transcript variant (1).
Genome position (GRCh38, 1-based): chr1:236,757,632, G>C. VCF-style: chr1-236757632-G-C. GRCh37 (hg19) VCF-style: chr1-236920932-G-C.
Other names: c.2301G>C, p.Arg767Ser (NM_001278343.2); c.1677G>C, p.Arg559Ser (NM_001278344.2); c.1551G>C, p.Arg517Ser (NM_001412150.1); short protein forms R559S, R517S, R767S.
Identifiers: ClinVar variation 2950916 (VCV002950916.3), dbSNP rs2527654331, ClinGen allele CA345389380.

ClinVar aggregate classification (germline): Uncertain significance (1 of 4 stars; one submission).

Conditions:
Primary familial hypertrophic cardiomyopathy (HCM). Identifiers: Orphanet 99739, MedGen C0949658, MeSH D024741, MONDO:0024573. Inheritance: Various modes of inheritance.
Dilated cardiomyopathy 1AA (CMD1AA). Also called: CARDIOMYOPATHY, DILATED, 1AA, WITH OR WITHOUT LEFT VENTRICULAR NONCOMPACTION; CARDIOMYOPATHY, FAMILIAL HYPERTROPHIC, 23, WITH OR WITHOUT LEFT VENTRICULAR NONCOMPACTION; Cardiomyopathy, dilated, 1AA, with or without LVNC. Identifiers: Orphanet 154, MedGen C2677338, MONDO:0012808, OMIM 612158.

Submission:

Labcorp Genetics (formerly Invitae), Labcorp
Classification: Uncertain significance for Primary familial hypertrophic cardiomyopathy; Dilated cardiomyopathy 1AA. Last evaluated: 2024-05-15. Review status: criteria provided, single submitter. Criteria: Invitae Variant Classification Sherloc (09022015). Collection method: clinical testing. Allele origin: germline.
Comment: This sequence change replaces arginine, which is basic and polar, with serine, which is neutral and polar, at codon 767 of the ACTN2 protein (p.Arg767Ser). This variant also falls at the last nucleotide of exon 18, which is part of the consensus splice site for this exon. This variant is not present in population databases (gnomAD no frequency). This variant has not been reported in the literature in individuals affected with ACTN2-related conditions. An algorithm developed to predict the effect of missense changes on protein structure and function (PolyPhen-2) suggests that this variant is likely to be tolerated. Variants that disrupt the consensus splice site are a relatively common cause of aberrant splicing (PMID: 17576681, 9536098). Algorithms developed to predict the effect of sequence changes on RNA splicing suggest that this variant may disrupt the consensus splice site. In summary, the available evidence is currently insufficient to determine the role of this variant in disease. Therefore, it has been classified as a Variant of Uncertain Significance.

Literature cited by the submitters: PubMed 17576681; PubMed 9536098.